The following is an entry in ClinVar:

NM_014956.5(CEP164):c.3883G>A (p.Ala1295Thr)

Gene: CEP164 (centrosomal protein 164; plus strand). Cytogenetic location: 11q23.3.
Variant type: single nucleotide variant.
Coding change: c.3883G>A on transcript NM_014956.5 (MANE Select); coding-DNA position 3883, G replaced by A.
Protein change: p.Ala1295Thr; replaces alanine 1295 with threonine.
Molecular consequence: missense variant.
Genome position (GRCh38, 1-based): chr11:117,409,752, G>A. VCF-style: chr11-117409752-G-A. GRCh37 (hg19) VCF-style: chr11-117280468-G-A.
Other names: c.3883G>A (NM_014956.4); c.3868G>A, p.Ala1290Thr (NM_001271933.2); short protein forms A1290T, A1295T.
Identifiers: ClinVar variation 1486259 (VCV001486259.4), dbSNP rs370793843, ClinGen allele CA6295611.

ClinVar aggregate classification (germline): Uncertain significance. Review status: criteria provided, multiple submitters, no conflicts (2 of 4 stars). 2 submissions from 2 submitters: Uncertain significance (2). Last evaluated 2025-06-23.

Conditions:
CEP164-related disorder. Also called: CEP164-related condition.
Nephronophthisis 15 (NPHP15). Identifiers: Orphanet 3156, MedGen C3541853, MONDO:0013917, OMIM 614845.

Allele frequency attached by ClinVar (database versions not stated): TOPMed 0.00002; gnomAD exomes 0.00003 and 0.00005; ExAC 0.00006; ESP Exome Variant Server 0.00008.
gnomAD v4.1: 41 of 1,613,876 alleles (0.0025%); highest among the groups gnomAD compares: South Asian, 0.037%; 1 homozygote.

Submissions (2):

PreventionGenetics, part of Exact Sciences
Classification: Uncertain significance for CEP164-related condition. Last evaluated: 2025-06-23. Review status: criteria provided, single submitter. Criteria: ACMG Guidelines, 2015. Collection method: clinical testing. Allele origin: germline.
Comment: The CEP164 c.3883G>A variant is predicted to result in the amino acid substitution p.Ala1295Thr. To our knowledge, this variant has not been reported in the literature. This variant is reported in 0.036% of alleles in individuals of South Asian descent in gnomAD. At this time, the clinical significance of this variant is uncertain due to the absence of conclusive functional and genetic evidence.

Labcorp Genetics (formerly Invitae), Labcorp
Classification: Uncertain significance for Nephronophthisis 15. Last evaluated: 2022-08-09. Review status: criteria provided, single submitter. Criteria: Invitae Variant Classification Sherloc (09022015). Collection method: clinical testing. Allele origin: germline.
Comment: This sequence change replaces alanine, which is neutral and non-polar, with threonine, which is neutral and polar, at codon 1295 of the CEP164 protein (p.Ala1295Thr). This variant is present in population databases (rs370793843, gnomAD 0.04%). This variant has not been reported in the literature in individuals affected with CEP164-related conditions. ClinVar contains an entry for this variant (Variation ID: 1486259). Algorithms developed to predict the effect of missense changes on protein structure and function output the following: SIFT: "Tolerated"; PolyPhen-2: "Benign"; Align-GVGD: "Class C0". The threonine amino acid residue is found in multiple mammalian species, which suggests that this missense change does not adversely affect protein function. In summary, the available evidence is currently insufficient to determine the role of this variant in disease. Therefore, it has been classified as a Variant of Uncertain Significance.